The following is an entry in ClinVar:

NM_015041.3(CLUAP1):c.59G>A (p.Arg20Gln)

Gene: CLUAP1 (clusterin associated protein 1; plus strand). Cytogenetic location: 16p13.3.
Variant type: single nucleotide variant.
Coding change: c.59G>A on transcript NM_015041.3 (MANE Select); coding-DNA position 59, G replaced by A.
Protein change: p.Arg20Gln; replaces arginine 20 with glutamine.
Molecular consequence: missense variant.
Genome position (GRCh38, 1-based): chr16:3,504,756, G>A. VCF-style: chr16-3504756-G-A. GRCh37 (hg19) VCF-style: chr16-3554756-G-A.
Other names: c.59G>A, p.Arg20Gln (NM_001330454.2); short protein forms R20Q.
Identifiers: ClinVar variation 3494027 (VCV003494027.2).

ClinVar aggregate classification (germline): Uncertain significance. Review status: criteria provided, multiple submitters, no conflicts (2 of 4 stars). 2 submissions from 2 submitters: Uncertain significance (2). Last evaluated 2025-03-12.

gnomAD v4.1: 3 of 1,612,492 alleles (0.00019%); highest among the groups gnomAD compares: Non-Finnish European, 0.00017%; no homozygotes.

Submissions (2):

Labcorp Genetics (formerly Invitae), Labcorp
Classification: Uncertain significance. Last evaluated: 2025-03-12. Review status: criteria provided, single submitter. Criteria: Invitae Variant Classification Sherloc (09022015). Collection method: clinical testing. Allele origin: germline.
Comment: This sequence change replaces arginine, which is basic and polar, with glutamine, which is neutral and polar, at codon 20 of the CLUAP1 protein (p.Arg20Gln). This variant is present in population databases (no rsID available, gnomAD 0.007%). This variant has not been reported in the literature in individuals affected with CLUAP1-related conditions. ClinVar contains an entry for this variant (Variation ID: 3494027). Invitae Evidence Modeling of protein sequence and biophysical properties (such as structural, functional, and spatial information, amino acid conservation, physicochemical variation, residue mobility, and thermodynamic stability) indicates that this missense variant is not expected to disrupt CLUAP1 protein function with a negative predictive value of 80%. In summary, the available evidence is currently insufficient to determine the role of this variant in disease. Therefore, it has been classified as a Variant of Uncertain Significance.

Ambry Genetics
Classification: Uncertain significance. Last evaluated: 2024-11-21. Review status: criteria provided, single submitter. Criteria: Ambry Variant Classification Scheme 2023. Collection method: clinical testing. Allele origin: germline.